The following is an entry in ClinVar:

NM_198334.3(GANAB):c.1349G>A (p.Arg450His)

Gene: GANAB (glucosidase II alpha subunit; minus strand). Cytogenetic location: 11q12.3.
Variant type: single nucleotide variant.
Coding change: c.1349G>A on transcript NM_198334.3 (MANE Select); coding-DNA position 1349, G replaced by A.
Protein change: p.Arg450His; replaces arginine 450 with histidine.
Molecular consequence: missense variant.
Genome position (GRCh38, 1-based): chr11:62,630,638, C>T on the plus strand (G>A on the coding strand, the complement: GANAB is on the minus strand). VCF-style: chr11-62630638-C-T. GRCh37 (hg19) VCF-style: chr11-62398110-C-T.
Other names: c.1073G>A, p.Arg358His (NM_001278192.2); c.1007G>A, p.Arg336His (NM_001278193.2); c.1058G>A, p.Arg353His (NM_001278194.2, NM_001329222.2, NM_001329223.2); c.626G>A, p.Arg209His (NM_001329224.2, NM_001329225.2); c.1415G>A, p.Arg472His (NM_198335.4); short protein forms R209H, R358H, R450H, R353H, R336H, R472H.
Identifiers: ClinVar variation 1912785 (VCV001912785.6), dbSNP rs554383762, ClinGen allele CA6050810.

ClinVar aggregate classification (germline): Uncertain significance. Review status: criteria provided, multiple submitters, no conflicts (2 of 4 stars). 2 submissions from 2 submitters: Uncertain significance (2). Last evaluated 2024-03-18.

Conditions:
Polycystic kidney disease 3 with or without polycystic liver disease. Also called: POLYCYSTIC KIDNEY DISEASE, ADULT, TYPE III; Polycystic kidney disease 3; Polycystic Kidney and/or Polycystic Liver Disease 3. Identifiers: MedGen C3887964, MONDO:0010916, OMIM 600666.

Allele frequency attached by ClinVar (database versions not stated): gnomAD 0.00001; TOPMed 0.00001; ExAC 0.00002; gnomAD exomes 0.00002; 1000 Genomes Project 30x 0.00016; 1000 Genomes Project 0.00020.
gnomAD v4.1: 32 of 1,613,518 alleles (0.002%); highest among the groups gnomAD compares: Non-Finnish European, 0.0025%; no homozygotes.

Submissions (2):

Fulgent Genetics
Classification: Uncertain significance for Polycystic kidney disease 3 with or without polycystic liver disease. Last evaluated: 2024-03-18. Review status: criteria provided, single submitter. Criteria: ACMG Guidelines, 2015. Collection method: clinical testing. Allele origin: germline.

Labcorp Genetics (formerly Invitae), Labcorp
Classification: Uncertain significance. Last evaluated: 2022-11-08. Review status: criteria provided, single submitter. Criteria: Invitae Variant Classification Sherloc (09022015). Collection method: clinical testing. Allele origin: germline.
Comment: Advanced modeling of protein sequence and biophysical properties (such as structural, functional, and spatial information, amino acid conservation, physicochemical variation, residue mobility, and thermodynamic stability) performed at Invitae indicates that this missense variant is not expected to disrupt GANAB protein function. In summary, the available evidence is currently insufficient to determine the role of this variant in disease. Therefore, it has been classified as a Variant of Uncertain Significance. This sequence change replaces arginine, which is basic and polar, with histidine, which is basic and polar, at codon 472 of the GANAB protein (p.Arg472His). This variant is present in population databases (rs554383762, gnomAD 0.01%). This variant has not been reported in the literature in individuals affected with GANAB-related conditions.